The following is an entry in ClinVar:

ClinVar aggregate classification (germline): Uncertain significance (1 of 4 stars; one submission).

Conditions:
Inborn genetic diseases. Identifiers: MedGen C0950123, MeSH D030342.

Submission:

Ambry Genetics
Classification: Uncertain significance for Inborn genetic diseases. Last evaluated: 2025-06-08. Review status: criteria provided, single submitter. Criteria: Ambry Variant Classification Scheme 2023. Collection method: clinical testing. Allele origin: germline.
Comment: The p.F882L variant (also known as c.2646T>G), located in coding exon 1 of the SAMD9 gene, results from a T to G substitution at nucleotide position 2646. The phenylalanine at codon 882 is replaced by leucine, an amino acid with highly similar properties. This amino acid position is conserved. In addition, this alteration is predicted to be tolerated by in silico analysis. Based on the available evidence, the clinical significance of this variant remains unclear.

NM_017654.4(SAMD9):c.2646T>G (p.Phe882Leu)

Gene: SAMD9 (sterile alpha motif domain containing 9; minus strand). Cytogenetic location: 7q21.2.
Variant type: single nucleotide variant.
Coding change: c.2646T>G on transcript NM_017654.4 (MANE Select); coding-DNA position 2646, T replaced by G.
Protein change: p.Phe882Leu; replaces phenylalanine 882 with leucine.
Molecular consequence: missense variant.
Genome position (GRCh38, 1-based): chr7:93,103,452, A>C on the plus strand (T>G on the coding strand, the complement: SAMD9 is on the minus strand). VCF-style: chr7-93103452-A-C. GRCh37 (hg19) VCF-style: chr7-92732765-A-C.
Other names: c.2646T>G, p.Phe882Leu (NM_001193307.2); short protein forms F882L.
Identifiers: ClinVar variation 3949715 (VCV003949715.1).